The following is an entry in ClinVar:

NM_024301.5(FKRP):c.590A>T (p.Asp197Val)

Gene: FKRP (fukutin related protein; plus strand). Cytogenetic location: 19q13.32.
Variant type: single nucleotide variant.
Coding change: c.590A>T on transcript NM_024301.5 (MANE Select); coding-DNA position 590, A replaced by T.
Protein change: p.Asp197Val; replaces aspartic acid 197 with valine.
Molecular consequence: missense variant.
Genome position (GRCh38, 1-based): chr19:46,756,040, A>T. VCF-style: chr19-46756040-A-T. GRCh37 (hg19) VCF-style: chr19-47259297-A-T.
Other names: c.590A>T, p.Asp197Val (NM_001039885.3); short protein forms D197V.
Identifiers: ClinVar variation 1750439 (VCV001750439.4), dbSNP rs767763499, ClinGen allele CA406495622.

ClinVar aggregate classification (germline): Uncertain significance. Review status: criteria provided, multiple submitters, no conflicts (2 of 4 stars). 2 submissions from 2 submitters: Uncertain significance (2). Last evaluated 2022-09-13.

Conditions:
Cardiovascular phenotype. Identifiers: MedGen CN230736.
Walker-Warburg congenital muscular dystrophy. Also called: Muscular dystrophy-dystroglycanopathy, type A; Walker-Warburg syndrome. Identifiers: Orphanet 899, MedGen C0265221, MONDO:0000171.

gnomAD v4.1: 2 of 1,579,488 alleles (0.00013%); highest among the groups gnomAD compares: Middle Eastern, 0.017%; no homozygotes.

Submissions (2):

Ambry Genetics
Classification: Uncertain significance for Cardiovascular phenotype. Last evaluated: 2022-09-13. Review status: criteria provided, single submitter. Criteria: Ambry Variant Classification Scheme 2023. Collection method: clinical testing. Allele origin: germline.
Comment: The p.D197V variant (also known as c.590A>T), located in coding exon 1 of the FKRP gene, results from an A to T substitution at nucleotide position 590. The aspartic acid at codon 197 is replaced by valine, an amino acid with highly dissimilar properties. This amino acid position is conserved. In addition, this alteration is predicted to be deleterious by in silico analysis. Since supporting evidence is limited at this time, the clinical significance of this alteration remains unclear.

Labcorp Genetics (formerly Invitae), Labcorp
Classification: Uncertain significance for Walker-Warburg congenital muscular dystrophy. Last evaluated: 2021-12-23. Review status: criteria provided, single submitter. Criteria: Invitae Variant Classification Sherloc (09022015). Collection method: clinical testing. Allele origin: germline.
Comment: This sequence change replaces aspartic acid, which is acidic and polar, with valine, which is neutral and non-polar, at codon 197 of the FKRP protein (p.Asp197Val). The frequency data for this variant in the population databases is considered unreliable, as metrics indicate poor data quality at this position in the gnomAD database. This variant has not been reported in the literature in individuals affected with FKRP-related conditions. Algorithms developed to predict the effect of missense changes on protein structure and function are either unavailable or do not agree on the potential impact of this missense change (SIFT: "Tolerated"; PolyPhen-2: "Possibly Damaging"; Align-GVGD: "Class C0"). In summary, the available evidence is currently insufficient to determine the role of this variant in disease. Therefore, it has been classified as a Variant of Uncertain Significance.